The following is an entry in ClinVar:

NM_001042545.2(LTBP4):c.3369G>A (p.Pro1123=)

Gene: LTBP4 (latent transforming growth factor beta binding protein 4; plus strand). Cytogenetic location: 19q13.2.
Variant type: single nucleotide variant.
Coding change: c.3369G>A on transcript NM_001042545.2 (MANE Select); coding-DNA position 3369, G replaced by A.
Protein change: p.Pro1123=; no amino-acid change (proline 1123 retained).
Molecular consequence: synonymous variant.
Genome position (GRCh38, 1-based): chr19:40,622,552, G>A. VCF-style: chr19-40622552-G-A. GRCh37 (hg19) VCF-style: chr19-41128457-G-A.
Other names: c.3570G>A, p.Pro1190= (NM_001042544.1); c.3459G>A, p.Pro1153= (NM_003573.2).
Identifiers: ClinVar variation 513124 (VCV000513124.17), dbSNP rs200769661, ClinGen allele CA9448990.

ClinVar aggregate classification (germline): Likely benign. Review status: criteria provided, multiple submitters, no conflicts (2 of 4 stars). 3 submissions from 3 submitters: Likely benign (3). Last evaluated 2026-08-01.

Allele frequency attached by ClinVar (database versions not stated): ExAC 0.00002; gnomAD exomes 0.00003 and 0.00017; gnomAD 0.00005 and 0.00006; TOPMed 0.00005; ESP Exome Variant Server 0.00016.
gnomAD v4.1: 250 of 1,613,788 alleles (0.015%); highest among the groups gnomAD compares: Non-Finnish European, 0.02%; no homozygotes.

Submissions (3):

CeGaT Center for Human Genetics Tuebingen
Classification: Likely benign. Last evaluated: 2026-08-01. Review status: criteria provided, single submitter. Criteria: CeGaT Center For Human Genetics Tuebingen Variant Classification Criteria Version 2. Collection method: clinical testing. Allele origin: germline. Affected: yes. Observed: 2 variant alleles.
Comment: LTBP4: BP4, BP7

Labcorp Genetics (formerly Invitae), Labcorp
Classification: Likely benign. Last evaluated: 2025-09-24. Review status: criteria provided, single submitter. Criteria: Invitae Variant Classification Sherloc (09022015). Collection method: clinical testing. Allele origin: germline.

GeneDx
Classification: Likely benign. Last evaluated: 2020-01-08. Review status: criteria provided, single submitter. Criteria: GeneDx Variant Classification Process June 2021. Collection method: clinical testing. Allele origin: germline. Affected: yes.